The following is an entry in ClinVar:

ClinVar aggregate classification (germline): Benign (1 of 4 stars; one submission).

Conditions:
Telangiectasia, hereditary hemorrhagic, type 2 (HHT2). Also called: ACVRL1-Related Hereditary Hemorrhagic Telangiectasia; Telangiectasia, hereditary hemorrhagic, type II. Identifiers: Orphanet 774, MedGen C1838163, MONDO:0010880, OMIM 600376. Disease mechanism: loss of function.

Allele frequency attached by ClinVar (database versions not stated): gnomAD 0.04933 and 0.05250; TOPMed 0.05482; 1000 Genomes Project 0.05491; 1000 Genomes Project 30x 0.05840.

Submission:

Illumina Laboratory Services, Illumina
Classification: Benign for Telangiectasia, hereditary hemorrhagic, type 2. Last evaluated: 2018-01-12. Review status: criteria provided, single submitter. Criteria: ICSL Variant Classification Criteria 13 December 2019. Collection method: clinical testing. Allele origin: germline.
Comment: This variant was observed in the ICSL laboratory as part of a predisposition screen in an ostensibly healthy population. It had not been previously curated by ICSL or reported in the Human Gene Mutation Database (HGMD: prior to June 1st, 2018), and was therefore a candidate for classification through an automated scoring system. Utilizing variant allele frequency, disease prevalence and penetrance estimates, and inheritance mode, an automated score was calculated to assess if this variant is too frequent to cause the disease. Based on the score and internal cut-off values, a variant classified as benign is not then subjected to further curation. The score for this variant resulted in a classification of benign for this disease.

NM_000020.3(ACVRL1):c.*1021T>C

Gene: ACVRL1 (activin A receptor like type 1; plus strand). Cytogenetic location: 12q13.13.
Variant type: single nucleotide variant.
Coding change: c.*1021T>C on transcript NM_000020.3 (MANE Select); 1021 bases downstream of the stop codon, T replaced by C.
Molecular consequence: 3 prime UTR variant.
Genome position (GRCh38, 1-based): chr12:51,921,914, T>C. VCF-style: chr12-51921914-T-C. GRCh37 (hg19) VCF-style: chr12-52315698-T-C.
Other names: c.*1021T>C (NM_001077401.2).
Identifiers: ClinVar variation 309463 (VCV000309463.5), dbSNP rs697631, ClinGen allele CA10633151.
Genomic context (GRCh38, chr12:51,921,914, plus strand): 5'-TCCCGAGTAGCTGGGATTACAGGCACATGCCACCATGCCTGGCTAATTTTGTATATTTAG[T>C]AGAAACAGGGTTTCACCATGCTGGCCATGCTGGTCTCGAACTCCTGACCTCAGGTGTTCC-3'